The following is an entry in ClinVar:

NM_016148.5(SHANK1):c.2264T>G (p.Met755Arg)

Gene: SHANK1 (SH3 and multiple ankyrin repeat domains 1; minus strand). Cytogenetic location: 19q13.33.
Variant type: single nucleotide variant.
Coding change: c.2264T>G on transcript NM_016148.5 (MANE Select); coding-DNA position 2264, T replaced by G.
Protein change: p.Met755Arg; replaces methionine 755 with arginine.
Molecular consequence: missense variant.
Genome position (GRCh38, 1-based): chr19:50,687,967, A>C on the plus strand (T>G on the coding strand, the complement: SHANK1 is on the minus strand). VCF-style: chr19-50687967-A-C. GRCh37 (hg19) VCF-style: chr19-51191224-A-C.
Other names: short protein forms M755R.
Identifiers: ClinVar variation 5029534 (VCV005029534.1).

ClinVar aggregate classification (germline): Uncertain significance (1 of 4 stars; one submission).

Conditions:
Inborn genetic diseases. Identifiers: MedGen C0950123, MeSH D030342.

Submission:

Ambry Genetics
Classification: Uncertain significance for Inborn genetic diseases. Last evaluated: 2026-07-22. Review status: criteria provided, single submitter. Criteria: Ambry Variant Classification Scheme 2023. Collection method: clinical testing. Allele origin: germline.
Comment: The c.2264T>G (p.M755R) alteration is located in exon 17 (coding exon 17) of the SHANK1 gene. This alteration results from a T to G substitution at nucleotide position 2264, causing the methionine (M) at amino acid position 755 to be replaced by an arginine (R). This variant was not reported in population-based cohorts in the Genome Aggregation Database (gnomAD). This amino acid position is well conserved in available vertebrate species. This amino acid alteration is predicted to be tolerated by in silico analysis. In silico splice site analysis predicts that this nucleotide alteration may result in the creation or strengthening of a novel splice donor site. Based on insufficient or conflicting evidence, the clinical significance of this alteration remains unclear.